The following is an entry in ClinVar:

ClinVar aggregate classification (germline): Conflicting classifications of pathogenicity. Review status: criteria provided, conflicting classifications (1 of 4 stars). 7 submissions from 7 submitters: Uncertain significance (4); Likely benign (1). 2 of the submissions do not count toward it. Last evaluated 2024-11-13.

Conditions:
Retinal dystrophy. Also called: Inherited retinal dystrophy. Identifiers: Orphanet 71862, MedGen C0854723, MeSH D058499, MONDO:0019118, HP:0000556.
Retinitis pigmentosa (RP). Identifiers: Orphanet 791, MedGen C0035334, MeSH D012174, MONDO:0019200, OMIM 268000. Inheritance: Autosomal dominant, autosomal recessive and X linked inheritance.
Retinitis pigmentosa 25 (RP25). Identifiers: Orphanet 791, MedGen C1864446, MONDO:0011272, OMIM 602772.

Allele frequency attached by ClinVar (database versions not stated): 1000 Genomes Project 30x 0.00016; 1000 Genomes Project 0.00020; ExAC 0.00028; TOPMed 0.00030; gnomAD 0.00032 and 0.00034; gnomAD exomes 0.00039 and 0.00077.
gnomAD v4.1: 1,071 of 1,514,302 alleles (0.071%); highest among the groups gnomAD compares: Non-Finnish European, 0.093%; 1 homozygote.

Submissions (7):

Blueprint Genetics
Classification: Likely benign. Last evaluated: 2024-11-13. Review status: criteria provided, single submitter. Criteria: ACMG Guidelines, 2015. Collection method: clinical testing. Allele origin: germline.

Labcorp Genetics (formerly Invitae), Labcorp
Classification: Uncertain significance. Last evaluated: 2024-01-31. Review status: criteria provided, single submitter. Criteria: Invitae Variant Classification Sherloc (09022015). Collection method: clinical testing. Allele origin: germline.
Comment: This sequence change falls in intron 23 of the EYS gene. It does not directly change the encoded amino acid sequence of the EYS protein. It affects a nucleotide within the consensus splice site. This variant is present in population databases (rs539477235, gnomAD 0.09%). This variant has not been reported in the literature in individuals affected with EYS-related conditions. ClinVar contains an entry for this variant (Variation ID: 195735). Variants that disrupt the consensus splice site are a relatively common cause of aberrant splicing (PMID: 17576681, 9536098). Algorithms developed to predict the effect of sequence changes on RNA splicing suggest that this variant is not likely to affect RNA splicing. In summary, the available evidence is currently insufficient to determine the role of this variant in disease. Therefore, it has been classified as a Variant of Uncertain Significance.

Women's Health and Genetics/Laboratory Corporation of America, LabCorp
Classification: Uncertain significance. Last evaluated: 2023-02-11. Review status: criteria provided, single submitter. Criteria: LabCorp Variant Classification Summary - May 2015. Collection method: clinical testing. Allele origin: germline.

Illumina Laboratory Services, Illumina
Classification: Uncertain significance for Retinitis pigmentosa. Last evaluated: 2018-01-13. Review status: criteria provided, single submitter. Criteria: ICSL Variant Classification Criteria 13 December 2019. Collection method: clinical testing. Allele origin: germline.

Eurofins Ntd Llc (ga)
Classification: Uncertain significance. Last evaluated: 2014-11-20. Review status: criteria provided, single submitter. Criteria: EGL Classification Definitions 2015. Collection method: clinical testing. Allele origin: germline. Observed: 1 variant allele, 1 heterozygote.

Institute of Human Genetics, Univ. Regensburg, Univ. Regensburg
Classification: Uncertain significance for Retinal dystrophy. Last evaluated: 2022-01-01. Review status: no assertion criteria provided. Criteria: ACMG Guidelines, 2015. Collection method: clinical testing. Allele origin: germline. Affected: yes. Not counted in ClinVar's aggregate classification.

Natera, Inc.
Classification: Uncertain significance for Retinitis pigmentosa type 25. Last evaluated: 2019-10-28. Review status: no assertion criteria provided. Collection method: clinical testing. Allele origin: germline. Not counted in ClinVar's aggregate classification.

Literature cited by the submitters: PubMed 17576681 (cited by Labcorp Genetics (formerly Invitae), Labcorp); PubMed 9536098 (cited by Labcorp Genetics (formerly Invitae), Labcorp).

NM_001142800.2(EYS):c.3568+5T>C

Gene: EYS (EGF-like photoreceptor maintenance factor; minus strand). Cytogenetic location: 6q12.
Variant type: single nucleotide variant.
Coding change: c.3568+5T>C on transcript NM_001142800.2 (MANE Select); 5 bases into the intron after coding-DNA position 3568, T replaced by C.
Molecular consequence: intron variant.
Genome position (GRCh38, 1-based): chr6:64,626,116, A>G on the plus strand (T>C on the coding strand, the complement: EYS is on the minus strand). VCF-style: chr6-64626116-A-G. GRCh37 (hg19) VCF-style: chr6-65336009-A-G.
Other names: c.3568+5T>C (NM_001292009.2).
Identifiers: ClinVar variation 195735 (VCV000195735.15), dbSNP rs539477235, ClinGen allele CA242303.